The following is an entry in ClinVar:

NM_000836.4(GRIN2D):c.2888del (p.Arg963fs)

Gene: GRIN2D (glutamate ionotropic receptor NMDA type subunit 2D; plus strand). Cytogenetic location: 19q13.33.
Variant type: Deletion.
Coding change: c.2888del on transcript NM_000836.4 (MANE Select); coding-DNA position 2888, one base deleted (G; older notation c.2888delG).
Protein change: p.Arg963fs; shifts the reading frame from arginine 963.
Molecular consequence: frameshift variant.
Genome position (GRCh38, 1-based): chr19:48,442,814, G deleted. VCF-style (leftmost placement, unchanged base first): chr19-48442813-CG-C. GRCh37 (hg19) VCF-style: chr19-48946070-CG-C.
Other names: short protein forms R963fs.
Identifiers: ClinVar variation 2823890 (VCV002823890.3), dbSNP rs2513692028, ClinGen allele CA2576837923.

ClinVar aggregate classification (germline): Uncertain significance (1 of 4 stars; one submission).

Allele frequency attached by ClinVar (database versions not stated): gnomAD exomes 0.00001.

Submission:

Labcorp Genetics (formerly Invitae), Labcorp
Classification: Uncertain significance. Last evaluated: 2022-12-24. Review status: criteria provided, single submitter. Criteria: Invitae Variant Classification Sherloc (09022015). Collection method: clinical testing. Allele origin: germline.
Comment: This sequence change creates a premature translational stop signal (p.Arg963Profs*11) in the GRIN2D gene. While this is not anticipated to result in nonsense mediated decay, it is expected to disrupt the last 374 amino acid(s) of the GRIN2D protein. The frequency data for this variant in the population databases is considered unreliable, as metrics indicate insufficient coverage at this position in the gnomAD database. This variant has not been reported in the literature in individuals affected with GRIN2D-related conditions. Experimental studies and prediction algorithms are not available or were not evaluated, and the functional significance of this variant is currently unknown. In summary, the available evidence is currently insufficient to determine the role of this variant in disease. Therefore, it has been classified as a Variant of Uncertain Significance.